The following is an entry in ClinVar:

ClinVar aggregate classification (germline): Uncertain significance (1 of 4 stars; one submission).

Conditions:
Adams-Oliver syndrome 5 (AOS5). Identifiers: Orphanet 974, MedGen C4014970, MONDO:0014459, OMIM 616028.

Submission:

Labcorp Genetics (formerly Invitae), Labcorp
Classification: Uncertain significance for Adams-Oliver syndrome 5. Last evaluated: 2021-09-21. Review status: criteria provided, single submitter. Criteria: Invitae Variant Classification Sherloc (09022015). Collection method: clinical testing. Allele origin: germline.
Comment: This sequence change replaces alanine with threonine at codon 729 of the NOTCH1 protein (p.Ala729Thr). The alanine residue is weakly conserved and there is a small physicochemical difference between alanine and threonine. This variant is not present in population databases (ExAC no frequency). This variant has not been reported in the literature in individuals affected with NOTCH1-related conditions. Advanced modeling of protein sequence and biophysical properties (such as structural, functional, and spatial information, amino acid conservation, physicochemical variation, residue mobility, and thermodynamic stability) performed at Invitae indicates that this missense variant is not expected to disrupt NOTCH1 protein function. In summary, the available evidence is currently insufficient to determine the role of this variant in disease. Therefore, it has been classified as a Variant of Uncertain Significance.

NM_017617.5(NOTCH1):c.2185G>A (p.Ala729Thr)

Gene: NOTCH1 (notch receptor 1; minus strand). Cytogenetic location: 9q34.3.
Variant type: single nucleotide variant.
Coding change: c.2185G>A on transcript NM_017617.5 (MANE Select); coding-DNA position 2185, G replaced by A.
Protein change: p.Ala729Thr; replaces alanine 729 with threonine.
Molecular consequence: missense variant.
Genome position (GRCh38, 1-based): chr9:136,514,532, C>T on the plus strand (G>A on the coding strand, the complement: NOTCH1 is on the minus strand). VCF-style: chr9-136514532-C-T. GRCh37 (hg19) VCF-style: chr9-139408984-C-T.
Other names: short protein forms A729T.
Identifiers: ClinVar variation 1361796 (VCV001361796.6), dbSNP rs1400821402, ClinGen allele CA375558553.